The following is an entry in ClinVar:

ClinVar aggregate classification (germline): Uncertain significance. Review status: criteria provided, multiple submitters, no conflicts (2 of 4 stars). 3 submissions from 3 submitters: Uncertain significance (3). Last evaluated 2025-05-31.

Conditions:
Hereditary cancer-predisposing syndrome. Also called: Hereditary Cancer Syndrome; Hereditary neoplastic syndrome; Neoplastic Syndromes, Hereditary; Tumor predisposition. Identifiers: Orphanet 140162, MedGen C0027672, MeSH D009386, MONDO:0015356.
Tumor predisposition syndrome 3 (TPDS3). Also called: Melanoma, cutaneous malignant, susceptibility to, 10; Glioma susceptibility 9; LONG TELOMERE SYNDROME, POT1-RELATED; POT1 Tumor Predisposition. Identifiers: Orphanet 618, MedGen C4014476, MONDO:0014368, OMIM 615848.

Submissions (3):

Quest Diagnostics Nichols Institute San Juan Capistrano
Classification: Uncertain significance. Last evaluated: 2025-05-31. Review status: criteria provided, single submitter. Criteria: Quest Diagnostics criteria. Collection method: clinical testing. Allele origin: unknown.
Comment: The POT1 c.1139T>C (p.Leu380Pro) variant has not been reported in individuals with POT1-related conditions in the published literature. It also has not been reported in large, multi-ethnic general populations (Genome Aggregation Database). Analysis of this variant using bioinformatics tools for the prediction of the effect of amino acid changes on protein structure and function yielded predictions that this variant is damaging. Based on the available information, we are unable to determine the clinical significance of this variant.

Labcorp Genetics (formerly Invitae), Labcorp
Classification: Uncertain significance for Tumor predisposition syndrome 3. Last evaluated: 2022-11-14. Review status: criteria provided, single submitter. Criteria: Invitae Variant Classification Sherloc (09022015). Collection method: clinical testing. Allele origin: germline.
Comment: This sequence change replaces leucine, which is neutral and non-polar, with proline, which is neutral and non-polar, at codon 380 of the POT1 protein (p.Leu380Pro). This variant is not present in population databases (gnomAD no frequency). This variant has not been reported in the literature in individuals affected with POT1-related conditions. Advanced modeling of protein sequence and biophysical properties (such as structural, functional, and spatial information, amino acid conservation, physicochemical variation, residue mobility, and thermodynamic stability) performed at Invitae indicates that this missense variant is not expected to disrupt POT1 protein function. In summary, the available evidence is currently insufficient to determine the role of this variant in disease. Therefore, it has been classified as a Variant of Uncertain Significance.

Ambry Genetics
Classification: Uncertain significance for Hereditary cancer-predisposing syndrome. Last evaluated: 2022-08-10. Review status: criteria provided, single submitter. Criteria: Ambry Variant Classification Scheme 2023. Collection method: clinical testing. Allele origin: germline.
Comment: The p.L380P variant (also known as c.1139T>C), located in coding exon 9 of the POT1 gene, results from a T to C substitution at nucleotide position 1139. The leucine at codon 380 is replaced by proline, an amino acid with similar properties. This amino acid position is highly conserved in available vertebrate species. In addition, this alteration is predicted to be deleterious by in silico analysis. Since supporting evidence is limited at this time, the clinical significance of this alteration remains unclear.

NM_015450.3(POT1):c.1139T>C (p.Leu380Pro)

Gene: POT1 (protection of telomeres 1; minus strand). Cytogenetic location: 7q31.33.
Variant type: single nucleotide variant.
Coding change: c.1139T>C on transcript NM_015450.3 (MANE Select); coding-DNA position 1139, T replaced by C.
Protein change: p.Leu380Pro; replaces leucine 380 with proline.
Molecular consequence: missense variant. On other transcripts: non-coding transcript variant (3).
Genome position (GRCh38, 1-based): chr7:124,842,831, A>G on the plus strand (T>C on the coding strand, the complement: POT1 is on the minus strand). VCF-style: chr7-124842831-A-G. GRCh37 (hg19) VCF-style: chr7-124482885-A-G.
Other names: c.746T>C, p.Leu249Pro (NM_001042594.2); short protein forms L380P, L249P.
Identifiers: ClinVar variation 1730688 (VCV001730688.6), dbSNP rs2116467460, ClinGen allele CA369068172.